The following is an entry in ClinVar:

ClinVar aggregate classification (germline): Uncertain significance. Review status: criteria provided, multiple submitters, no conflicts (2 of 4 stars). 2 submissions from 2 submitters: Uncertain significance (2). Last evaluated 2025-08-13.

Conditions:
Inborn genetic diseases. Identifiers: MedGen C0950123, MeSH D030342.

Allele frequency attached by ClinVar (database versions not stated): gnomAD exomes below 0.00001.

Submissions (2):

Ambry Genetics
Classification: Uncertain significance for Inborn genetic diseases. Last evaluated: 2025-08-13. Review status: criteria provided, single submitter. Criteria: Ambry Variant Classification Scheme 2023. Collection method: clinical testing. Allele origin: germline.

Labcorp Genetics (formerly Invitae), Labcorp
Classification: Uncertain significance. Last evaluated: 2022-08-27. Review status: criteria provided, single submitter. Criteria: Invitae Variant Classification Sherloc (09022015). Collection method: clinical testing. Allele origin: germline.
Comment: This sequence change replaces threonine, which is neutral and polar, with isoleucine, which is neutral and non-polar, at codon 166 of the CAD protein (p.Thr166Ile). This variant is present in population databases (no rsID available, gnomAD 0.006%). This variant has not been reported in the literature in individuals affected with CAD-related conditions. Algorithms developed to predict the effect of missense changes on protein structure and function (SIFT, PolyPhen-2, Align-GVGD) all suggest that this variant is likely to be tolerated. In summary, the available evidence is currently insufficient to determine the role of this variant in disease. Therefore, it has been classified as a Variant of Uncertain Significance.

NM_004341.5(CAD):c.497C>T (p.Thr166Ile)

Gene: CAD (carbamoyl-phosphate synthetase 2, aspartate transcarbamylase, and dihydroorotase; plus strand). Cytogenetic location: 2p23.3.
Variant type: single nucleotide variant.
Coding change: c.497C>T on transcript NM_004341.5 (MANE Select); coding-DNA position 497, C replaced by T.
Protein change: p.Thr166Ile; replaces threonine 166 with isoleucine.
Molecular consequence: missense variant.
Genome position (GRCh38, 1-based): chr2:27,222,520, C>T. VCF-style: chr2-27222520-C-T. GRCh37 (hg19) VCF-style: chr2-27445388-C-T.
Other names: c.497C>T (NM_004341.3); c.497C>T, p.Thr166Ile (NM_001306079.2); short protein forms T166I.
Identifiers: ClinVar variation 1911347 (VCV001911347.3), dbSNP rs1247120246, ClinGen allele CA346199421.
Genomic context (GRCh38, chr2:27,222,520, plus strand): 5'-TATCTTATACCCACTGAGCACAGCTGCCAACTGTTGCCCTTTATTCGTCTATTTCTCAGA[C>T]TCCACGGGTATTCAATACAGGGGGTGCCCCTCGGATCCTTGCTTTGGACTGTGGCCTCAA-3'
Protein context (NP_004332.2, residues 156-176): RPLVPEVSIK[Thr166Ile]PRVFNTGGAP